The following is an entry in ClinVar:

NM_001040167.2(LFNG):c.546C>T (p.Ala182=)

Gene: LFNG (LFNG O-fucosylpeptide 3-beta-N-acetylglucosaminyltransferase; plus strand). Cytogenetic location: 7p22.3.
Variant type: single nucleotide variant.
Coding change: c.546C>T on transcript NM_001040167.2 (MANE Select); coding-DNA position 546, C replaced by T.
Protein change: p.Ala182=; no amino-acid change (alanine 182 retained).
Molecular consequence: synonymous variant.
Genome position (GRCh38, 1-based): chr7:2,525,283, C>T. VCF-style: chr7-2525283-C-T. GRCh37 (hg19) VCF-style: chr7-2564917-C-T.
Other names: c.333C>T, p.Ala111= (NM_001166355.2); c.159C>T, p.Ala53= (NM_002304.3); c.546C>T, p.Ala182= (NM_001040168.2); c.546C>T (NM_001040167.1).
Identifiers: ClinVar variation 916354 (VCV000916354.44), dbSNP rs369411514, ClinGen allele CA4126996.

ClinVar aggregate classification (germline): Likely benign. Review status: criteria provided, multiple submitters, no conflicts (2 of 4 stars). 3 submissions from 3 submitters: Likely benign (2). 1 of the submissions does not count toward it. Last evaluated 2026-01-11.

Conditions:
LFNG-related disorder. Also called: LFNG-related condition.
Spondylocostal dysostosis 3, autosomal recessive (SCDO3). Also called: LFNG-Related Spondylocostal Dysostosis, Autosomal Recessive. Identifiers: Orphanet 2311, MedGen C1853296, MONDO:0012349, OMIM 609813.

Allele frequency attached by ClinVar (database versions not stated): gnomAD 0.00009 and 0.00010; TOPMed 0.00015; 1000 Genomes Project 30x 0.00016; 1000 Genomes Project 0.00020; ExAC 0.00001; gnomAD exomes 0.00002; ESP Exome Variant Server 0.00008.
gnomAD v4.1: 58 of 1,613,036 alleles (0.0036%); highest among the groups gnomAD compares: African/African-American, 0.016%; no homozygotes.

Submissions (3):

Labcorp Genetics (formerly Invitae), Labcorp
Classification: Likely benign for Spondylocostal dysostosis 3, autosomal recessive. Last evaluated: 2026-01-11. Review status: criteria provided, single submitter. Criteria: Invitae Variant Classification Sherloc (09022015). Collection method: clinical testing. Allele origin: germline.

CeGaT Center for Human Genetics Tuebingen
Classification: Likely benign. Last evaluated: 2020-03-01. Review status: criteria provided, single submitter. Criteria: CeGaT Center For Human Genetics Tuebingen Variant Classification Criteria Version 2. Collection method: clinical testing. Allele origin: germline. Affected: yes. Observed: 1 variant allele.

PreventionGenetics, part of Exact Sciences
Classification: Likely benign for LFNG-related condition. Last evaluated: 2020-04-20. Review status: no assertion criteria provided. Collection method: clinical testing. Allele origin: germline. Not counted in ClinVar's aggregate classification.
Comment: This variant is classified as likely benign based on ACMG/AMP sequence variant interpretation guidelines (Richards et al. 2015 PMID: 25741868, with internal and published modifications).